The following is an entry in ClinVar:

ClinVar aggregate classification (germline): Conflicting classifications of pathogenicity. Review status: criteria provided, conflicting classifications (1 of 4 stars). 2 submissions from 2 submitters: Uncertain significance (1); Benign (1). Last evaluated 2025-12-19.

Conditions:
Rubinstein-Taybi syndrome due to EP300 haploinsufficiency. Also called: EP300-Related Rubinstein-Taybi Syndrome; RUBINSTEIN-TAYBI SYNDROME 2. Identifiers: Orphanet 353284, Orphanet 783, MedGen C3150941, MONDO:0013364, OMIM 613684.

gnomAD v4.1: 1 of 1,614,142 alleles (0.000062%); highest among the groups gnomAD compares: Non-Finnish European, 0.000085%; no homozygotes.

Submissions (2):

Labcorp Genetics (formerly Invitae), Labcorp
Classification: Uncertain significance for Rubinstein-Taybi syndrome due to EP300 haploinsufficiency. Last evaluated: 2025-12-19. Review status: criteria provided, single submitter. Criteria: Invitae Variant Classification Sherloc (09022015). Collection method: clinical testing. Allele origin: germline.
Comment: This sequence change replaces histidine, which is basic and polar, with glutamine, which is neutral and polar, at codon 1944 of the EP300 protein (p.His1944Gln). This variant is present in population databases (no rsID available, gnomAD 0.0009%). This variant has not been reported in the literature in individuals affected with EP300-related conditions. ClinVar contains an entry for this variant (Variation ID: 1685035). Invitae Evidence Modeling of protein sequence and biophysical properties (such as structural, functional, and spatial information, amino acid conservation, physicochemical variation, residue mobility, and thermodynamic stability) indicates that this missense variant is not expected to disrupt EP300 protein function with a negative predictive value of 80%. In summary, the available evidence is currently insufficient to determine the role of this variant in disease. Therefore, it has been classified as a Variant of Uncertain Significance.

Mendelics
Classification: Benign. Last evaluated: 2022-05-04. Review status: criteria provided, single submitter. Criteria: Mendelics Assertion Criteria 2019. Collection method: clinical testing. Allele origin: germline.

NM_001429.4(EP300):c.5832C>G (p.His1944Gln)

Gene: EP300 (EP300 lysine acetyltransferase; plus strand). Cytogenetic location: 22q13.2.
Variant type: single nucleotide variant.
Coding change: c.5832C>G on transcript NM_001429.4 (MANE Select); coding-DNA position 5832, C replaced by G.
Protein change: p.His1944Gln; replaces histidine 1944 with glutamine.
Molecular consequence: missense variant.
Genome position (GRCh38, 1-based): chr22:41,177,543, C>G. VCF-style: chr22-41177543-C-G. GRCh37 (hg19) VCF-style: chr22-41573547-C-G.
Other names: c.5754C>G, p.His1918Gln (NM_001362843.2); short protein forms H1918Q, H1944Q.
Identifiers: ClinVar variation 1685035 (VCV001685035.2), dbSNP rs142885571, ClinGen allele CA411710061.